The following is an entry in ClinVar:

NM_000236.3(LIPC):c.314C>T (p.Ala105Val)

Gene: LIPC (lipase C, hepatic type; plus strand). Cytogenetic location: 15q21.3.
Variant type: single nucleotide variant.
Coding change: c.314C>T on transcript NM_000236.3 (MANE Select); coding-DNA position 314, C replaced by T.
Protein change: p.Ala105Val; replaces alanine 105 with valine.
Molecular consequence: missense variant.
Genome position (GRCh38, 1-based): chr15:58,541,825, C>T. VCF-style: chr15-58541825-C-T. GRCh37 (hg19) VCF-style: chr15-58834024-C-T.
Other names: short protein forms A105V.
Identifiers: ClinVar variation 888210 (VCV000888210.7), dbSNP rs762938550, ClinGen allele CA7584806.

ClinVar aggregate classification (germline): Uncertain significance. Review status: criteria provided, multiple submitters, no conflicts (2 of 4 stars). 2 submissions from 2 submitters: Uncertain significance (2). Last evaluated 2023-01-23.

Conditions:
Hyperlipidemia due to hepatic triglyceride lipase deficiency. Also called: LIPC DEFICIENCY. Identifiers: Orphanet 140905, MedGen C3151466, MONDO:0013533, OMIM 614025.

Allele frequency attached by ClinVar (database versions not stated): ExAC 0.00001; gnomAD exomes 0.00001; gnomAD 0.00003; TOPMed 0.00003.
gnomAD v4.1: 86 of 1,613,242 alleles (0.0053%); highest among the groups gnomAD compares: Non-Finnish European, 0.0071%; no homozygotes.

Submissions (2):

Labcorp Genetics (formerly Invitae), Labcorp
Classification: Uncertain significance. Last evaluated: 2023-01-23. Review status: criteria provided, single submitter. Criteria: Invitae Variant Classification Sherloc (09022015). Collection method: clinical testing. Allele origin: germline.
Comment: In summary, the available evidence is currently insufficient to determine the role of this variant in disease. Therefore, it has been classified as a Variant of Uncertain Significance. This sequence change replaces alanine, which is neutral and non-polar, with valine, which is neutral and non-polar, at codon 105 of the LIPC protein (p.Ala105Val). The frequency data for this variant in the population databases is considered unreliable, as metrics indicate poor data quality at this position in the gnomAD database. This missense change has been observed in individual(s) with dyslipidemia (PMID: 32041611). ClinVar contains an entry for this variant (Variation ID: 888210). Algorithms developed to predict the effect of missense changes on protein structure and function (SIFT, PolyPhen-2, Align-GVGD) all suggest that this variant is likely to be tolerated.

Illumina Laboratory Services, Illumina
Classification: Uncertain significance for Hyperlipidemia due to hepatic triglyceride lipase deficiency. Last evaluated: 2018-01-13. Review status: criteria provided, single submitter. Criteria: ICSL Variant Classification Criteria 13 December 2019. Collection method: clinical testing. Allele origin: germline.

Literature cited by the submitters: PubMed 32041611 (cited by Labcorp Genetics (formerly Invitae), Labcorp).